The following is an entry in ClinVar:

NM_004565.3(PEX14):c.109C>T (p.Gln37Ter)

Gene: PEX14 (peroxisomal biogenesis factor 14; plus strand). Cytogenetic location: 1p36.22.
Variant type: single nucleotide variant.
Coding change: c.109C>T on transcript NM_004565.3 (MANE Select); coding-DNA position 109, C replaced by T.
Protein change: p.Gln37Ter; replaces glutamine 37 with a stop codon.
Molecular consequence: nonsense.
Genome position (GRCh38, 1-based): chr1:10,536,237, C>T. VCF-style: chr1-10536237-C-T. GRCh37 (hg19) VCF-style: chr1-10596294-C-T.
Other names: short protein forms Q37*.
Identifiers: ClinVar variation 2753909 (VCV002753909.3), dbSNP rs370090221, ClinGen allele CA583714.

ClinVar aggregate classification (germline): Pathogenic (1 of 4 stars; one submission).

Conditions:
Peroxisome biogenesis disorder, complementation group K (CGK). Identifiers: MedGen C1866257, MONDO:0800365.

Allele frequency attached by ClinVar (database versions not stated): ExAC 0.00001; ESP Exome Variant Server 0.00008.

Submission:

Labcorp Genetics (formerly Invitae), Labcorp
Classification: Pathogenic for Peroxisome biogenesis disorder, complementation group K. Last evaluated: 2024-07-01. Review status: criteria provided, single submitter. Criteria: Invitae Variant Classification Sherloc (09022015). Collection method: clinical testing. Allele origin: germline.
Comment: This sequence change creates a premature translational stop signal (p.Gln37*) in the PEX14 gene. It is expected to result in an absent or disrupted protein product. Loss-of-function variants in PEX14 are known to be pathogenic (PMID: 15146459, 18285423, 26627464). This variant is present in population databases (rs370090221, gnomAD 0.0009%). This variant has not been reported in the literature in individuals affected with PEX14-related conditions. For these reasons, this variant has been classified as Pathogenic.

Literature cited by the submitters: PubMed 15146459; PubMed 18285423; PubMed 26627464.